The following is an entry in ClinVar:

NM_000256.3(MYBPC3):c.2117G>A (p.Gly706Asp)

Gene: MYBPC3 (myosin binding protein C3; minus strand). Cytogenetic location: 11p11.2.
Variant type: single nucleotide variant.
Coding change: c.2117G>A on transcript NM_000256.3 (MANE Select); coding-DNA position 2117, G replaced by A.
Protein change: p.Gly706Asp; replaces glycine 706 with aspartic acid.
Molecular consequence: missense variant.
Genome position (GRCh38, 1-based): chr11:47,339,355, C>T on the plus strand (G>A on the coding strand, the complement: MYBPC3 is on the minus strand). VCF-style: chr11-47339355-C-T. GRCh37 (hg19) VCF-style: chr11-47360906-C-T.
Other names: short protein forms G706D.
Identifiers: ClinVar variation 1058286 (VCV001058286.11), dbSNP rs1565626231, ClinGen allele CA380320901.

ClinVar aggregate classification (germline): Uncertain significance. Review status: criteria provided, multiple submitters, no conflicts (2 of 4 stars). 2 submissions from 2 submitters: Uncertain significance (2). Last evaluated 2024-03-06.

Conditions:
Cardiomyopathy (CMYO). Also called: Cardiomyopathies. Identifiers: Orphanet 167848, MedGen C0878544, MONDO:0004994, HP:0001638. Inheritance: Various modes of inheritance.
Hypertrophic cardiomyopathy. Also called: HYPERTROPHIC MYOCARDIOPATHY. Identifiers: Orphanet 217569, MedGen C0007194, MeSH D002312, MONDO:0005045, HP:0001639.

Allele frequency attached by ClinVar (database versions not stated): gnomAD exomes below 0.00001.
gnomAD v4.1: 1 of 1,614,056 alleles (0.000062%); highest among the groups gnomAD compares: Non-Finnish European, 0.000085%; no homozygotes.

Submissions (2):

Color Diagnostics, LLC DBA Color Health
Classification: Uncertain significance for Cardiomyopathy. Last evaluated: 2024-03-06. Review status: criteria provided, single submitter. Criteria: ACMG Guidelines, 2015. Collection method: clinical testing. Allele origin: germline.
Comment: This missense variant replaces glycine with aspartic acid at codon 706 of the MYBPC3 protein. Computational prediction suggests that this variant may not impact protein structure and function (internally defined REVEL score threshold <= 0.5, PMID: 27666373). To our knowledge, functional studies have not been reported for this variant. This variant has not been reported in individuals affected with cardiovascular disorders in the literature. This variant has been identified in 1/249272 chromosomes in the general population by the Genome Aggregation Database (gnomAD). The available evidence is insufficient to determine the role of this variant in disease conclusively. Therefore, this variant is classified as a Variant of Uncertain Significance.

Labcorp Genetics (formerly Invitae), Labcorp
Classification: Uncertain significance for Hypertrophic cardiomyopathy. Last evaluated: 2023-12-06. Review status: criteria provided, single submitter. Criteria: Invitae Variant Classification Sherloc (09022015). Collection method: clinical testing. Allele origin: germline.
Comment: This sequence change replaces glycine, which is neutral and non-polar, with aspartic acid, which is acidic and polar, at codon 706 of the MYBPC3 protein (p.Gly706Asp). This variant is not present in population databases (gnomAD no frequency). This variant has not been reported in the literature in individuals affected with MYBPC3-related conditions. ClinVar contains an entry for this variant (Variation ID: 1058286). Algorithms developed to predict the effect of missense changes on protein structure and function output the following: SIFT: "Not Available"; PolyPhen-2: "Benign"; Align-GVGD: "Not Available". The aspartic acid amino acid residue is found in multiple mammalian species, which suggests that this missense change does not adversely affect protein function. In summary, the available evidence is currently insufficient to determine the role of this variant in disease. Therefore, it has been classified as a Variant of Uncertain Significance.